The following is an entry in ClinVar:

ClinVar aggregate classification (germline): Uncertain significance. Review status: criteria provided, multiple submitters, no conflicts (2 of 4 stars). 2 submissions from 2 submitters: Uncertain significance (2). Last evaluated 2024-09-10.

Conditions:
Neuropathy, hereditary motor and sensory, type 6B (HMSN6B). Also called: NEUROPATHY, HEREDITARY MOTOR AND SENSORY, TYPE VIB, WITH OPTIC ATROPHY; HMSN VIB; CHARCOT-MARIE-TOOTH DISEASE, TYPE 6B; Neuropathy, hereditary motor and sensory, type VIB. Identifiers: MedGen C4225302, MONDO:0014671, OMIM 616505.

Allele frequency attached by ClinVar (database versions not stated): ExAC below 0.00001; gnomAD exomes 0.00002; TOPMed 0.00004.
gnomAD v4.1: 4 of 1,574,890 alleles (0.00025%); highest among the groups gnomAD compares: Admixed American, 0.0074%; no homozygotes.

Submissions (2):

GeneDx
Classification: Uncertain significance. Last evaluated: 2024-09-10. Review status: criteria provided, single submitter. Criteria: GeneDx Variant Classification Process June 2021. Collection method: clinical testing. Allele origin: germline. Affected: yes.
Comment: Not observed at significant frequency in large population cohorts (gnomAD); In silico analysis indicates that this missense variant does not alter protein structure/function; Has not been previously published as pathogenic or benign to our knowledge; This variant is associated with the following publications: (PMID: 27535533)

Labcorp Genetics (formerly Invitae), Labcorp
Classification: Uncertain significance for Neuropathy, hereditary motor and sensory, type 6B. Last evaluated: 2022-11-08. Review status: criteria provided, single submitter. Criteria: Invitae Variant Classification Sherloc (09022015). Collection method: clinical testing. Allele origin: germline.
Comment: Algorithms developed to predict the effect of missense changes on protein structure and function (SIFT, PolyPhen-2, Align-GVGD) all suggest that this variant is likely to be tolerated. This sequence change replaces tryptophan, which is neutral and slightly polar, with arginine, which is basic and polar, at codon 57 of the SLC25A46 protein (p.Trp57Arg). This variant is present in population databases (rs761045034, gnomAD 0.01%). This variant has not been reported in the literature in individuals affected with SLC25A46-related conditions. ClinVar contains an entry for this variant (Variation ID: 641076). In summary, the available evidence is currently insufficient to determine the role of this variant in disease. Therefore, it has been classified as a Variant of Uncertain Significance.

NM_138773.4(SLC25A46):c.169T>C (p.Trp57Arg)

Gene: SLC25A46 (solute carrier family 25 member 46; plus strand). Cytogenetic location: 5q22.1.
Variant type: single nucleotide variant.
Coding change: c.169T>C on transcript NM_138773.4 (MANE Select); coding-DNA position 169, T replaced by C.
Protein change: p.Trp57Arg; replaces tryptophan 57 with arginine.
Molecular consequence: missense variant. On other transcripts: non-coding transcript variant (1), intron variant (1).
Genome position (GRCh38, 1-based): chr5:110,739,288, T>C. VCF-style: chr5-110739288-T-C. GRCh37 (hg19) VCF-style: chr5-110074989-T-C.
Other names: c.169T>C, p.Trp57Arg (NM_001303249.3); c.10+1041T>C (NM_001303250.3); short protein forms W57R.
Identifiers: ClinVar variation 641076 (VCV000641076.8), dbSNP rs761045034, ClinGen allele CA3364488.